The following is an entry in ClinVar:

NM_012280.4(FTSJ1):c.689G>A (p.Arg230His)

Gene: FTSJ1 (FtsJ RNA 2'-O-methyltransferase 1; plus strand). Cytogenetic location: Xp11.23.
Variant type: single nucleotide variant.
Coding change: c.689G>A on transcript NM_012280.4 (MANE Select); coding-DNA position 689, G replaced by A.
Protein change: p.Arg230His; replaces arginine 230 with histidine.
Molecular consequence: missense variant.
Genome position (GRCh38, 1-based): chrX:48,482,436, G>A. VCF-style: chrX-48482436-G-A. GRCh37 (hg19) VCF-style: chrX-48340824-G-A.
Other names: c.278G>A, p.Arg93His (NM_001282157.2); c.683G>A, p.Arg228His (NM_177439.3); short protein forms R228H, R230H, R93H.
Identifiers: ClinVar variation 3371464 (VCV003371464.3).

ClinVar aggregate classification (germline): Uncertain significance (1 of 4 stars; one submission).

gnomAD v4.1: 7 of 1,206,401 alleles (0.00058%); highest among the groups gnomAD compares: African/African-American, 0.0017%; no homozygotes.

Submission:

GeneDx
Classification: Uncertain significance. Last evaluated: 2025-08-11. Review status: criteria provided, single submitter. Criteria: GeneDx Variant Classification Process June 2021. Collection method: clinical testing. Allele origin: germline. Affected: yes.
Comment: Not observed at significant frequency in large population cohorts (gnomAD); In silico analysis supports that this missense variant has a deleterious effect on protein structure/function; Has not been previously published as pathogenic or benign to our knowledge